The following is an entry in ClinVar:

ClinVar aggregate classification (germline): Uncertain significance (1 of 4 stars; one submission).

Conditions:
Hereditary breast ovarian cancer syndrome. Also called: Hereditary breast and ovarian cancer syndrome; Hereditary breast and ovarian cancer syndrome (HBOC); BRCA1- and BRCA2-Associated Hereditary Breast and Ovarian Cancer; Hereditary breast and ovarian cancer; Breast and ovarian cancer; Hereditary breast and/or ovarian cancer syndrome. Identifiers: Orphanet 145, MedGen C0677776, MeSH D061325, MONDO:0003582. Disease mechanism: loss of function.

gnomAD v4.1: 1 of 1,613,720 alleles (0.000062%); highest among the groups gnomAD compares: South Asian, 0.0011%; no homozygotes.

Submission:

Labcorp Genetics (formerly Invitae), Labcorp
Classification: Uncertain significance for Hereditary breast ovarian cancer syndrome. Last evaluated: 2025-02-23. Review status: criteria provided, single submitter. Criteria: Invitae Variant Classification Sherloc (09022015). Collection method: clinical testing. Allele origin: germline.
Comment: This sequence change replaces glycine, which is neutral and non-polar, with aspartic acid, which is acidic and polar, at codon 998 of the BRCA2 protein (p.Gly998Asp). This variant is present in population databases (rs745925418, gnomAD 0.003%). This variant has not been reported in the literature in individuals affected with BRCA2-related conditions. Invitae Evidence Modeling of protein sequence and biophysical properties (such as structural, functional, and spatial information, amino acid conservation, physicochemical variation, residue mobility, and thermodynamic stability) indicates that this missense variant is not expected to disrupt BRCA2 protein function with a negative predictive value of 95%. In summary, the available evidence is currently insufficient to determine the role of this variant in disease. Therefore, it has been classified as a Variant of Uncertain Significance.

NM_000059.4(BRCA2):c.2993G>A (p.Gly998Asp)

Gene: BRCA2 (BRCA2 DNA repair associated; plus strand). Cytogenetic location: 13q13.1.
Variant type: single nucleotide variant.
Coding change: c.2993G>A on transcript NM_000059.4 (MANE Select); coding-DNA position 2993, G replaced by A.
Protein change: p.Gly998Asp; replaces glycine 998 with aspartic acid.
Molecular consequence: missense variant. On other transcripts: non-coding transcript variant (1), intron variant (2).
Genome position (GRCh38, 1-based): chr13:32,337,348, G>A. VCF-style: chr13-32337348-G-A. GRCh37 (hg19) VCF-style: chr13-32911485-G-A.
Other names: c.2993G>A, p.Gly998Asp (NM_001406719.1, NM_001406720.1, NM_001432077.1); c.1909+3961G>A (NM_001406721.1); c.424+6318G>A (NM_001406722.1); short protein forms G998D.
Identifiers: ClinVar variation 3636447 (VCV003636447.2).